The following is an entry in ClinVar:

ClinVar aggregate classification (germline): Likely pathogenic (1 of 4 stars; one submission).

Submission:

GeneDx
Classification: Likely pathogenic. Last evaluated: 2025-03-31. Review status: criteria provided, single submitter. Criteria: GeneDx Variant Classification Process June 2021. Collection method: clinical testing. Allele origin: germline. Affected: yes.
Comment: Not observed at significant frequency in large population cohorts (gnomAD); In silico analysis supports that this missense variant has a deleterious effect on protein structure/function; This variant is associated with the following publications: (PMID: 26179221)

NM_000899.5(KITLG):c.101C>A (p.Thr34Asn)

Gene: KITLG (KIT ligand; minus strand). Cytogenetic location: 12q21.32.
Variant type: single nucleotide variant.
Coding change: c.101C>A on transcript NM_000899.5 (MANE Select); coding-DNA position 101, C replaced by A.
Protein change: p.Thr34Asn; replaces threonine 34 with asparagine.
Molecular consequence: missense variant.
Genome position (GRCh38, 1-based): chr12:88,545,780, G>T on the plus strand (C>A on the coding strand, the complement: KITLG is on the minus strand). VCF-style: chr12-88545780-G-T. GRCh37 (hg19) VCF-style: chr12-88939557-G-T.
Other names: c.101C>A, p.Thr34Asn (NM_003994.6); short protein forms T34N.
Identifiers: ClinVar variation 4278563 (VCV004278563.1).